The following is an entry in ClinVar:

NM_001145358.2(SIN3A):c.268G>A (p.Ala90Thr)

Gene: SIN3A (SIN3 transcription regulator family member A; minus strand). Cytogenetic location: 15q24.2.
Variant type: single nucleotide variant.
Coding change: c.268G>A on transcript NM_001145358.2 (MANE Select); coding-DNA position 268, G replaced by A.
Protein change: p.Ala90Thr; replaces alanine 90 with threonine.
Molecular consequence: missense variant.
Genome position (GRCh38, 1-based): chr15:75,422,745, C>T on the plus strand (G>A on the coding strand, the complement: SIN3A is on the minus strand). VCF-style: chr15-75422745-C-T. GRCh37 (hg19) VCF-style: chr15-75715086-C-T.
Other names: c.268G>A, p.Ala90Thr (NM_001145357.2, NM_015477.3); short protein forms A90T.
Identifiers: ClinVar variation 3162311 (VCV003162311.3), dbSNP rs200501190, ClinGen allele CA7667935.
Genomic context (GRCh38, chr15:75,422,745, plus strand): 5'-CAACTGGTGGGGCTGGATGAGCATGACTCTGGACCACCTGGCCTCCGTGGGGCTGCACCG[C>T]TGTTGGGTGATGATGGCTGCTATGAACTGCTGCTATAGCGGGCCCATGACTGCCGGAGCT-3'
Protein context (NP_001138830.1, residues 80-100): AVHSSHHHPT[Ala90Thr]VQPHGGQVVQ

ClinVar aggregate classification (germline): Conflicting classifications of pathogenicity. Review status: criteria provided, conflicting classifications (1 of 4 stars). 2 submissions from 2 submitters: Uncertain significance (1); Likely benign (1). Last evaluated 2024-02-23.

Conditions:
Inborn genetic diseases. Identifiers: MedGen C0950123, MeSH D030342.

Allele frequency attached by ClinVar (database versions not stated): TOPMed 0.00002; ExAC 0.00001; gnomAD 0.00001.
gnomAD v4.1: 10 of 1,614,092 alleles (0.00062%); highest among the groups gnomAD compares: Non-Finnish European, 0.00085%; no homozygotes.

Submissions (2):

Labcorp Genetics (formerly Invitae), Labcorp
Classification: Uncertain significance. Last evaluated: 2024-02-23. Review status: criteria provided, single submitter. Criteria: Invitae Variant Classification Sherloc (09022015). Collection method: clinical testing. Allele origin: germline.
Comment: This sequence change replaces alanine, which is neutral and non-polar, with threonine, which is neutral and polar, at codon 90 of the SIN3A protein (p.Ala90Thr). This variant is present in population databases (rs200501190, gnomAD 0.004%). This variant has not been reported in the literature in individuals affected with SIN3A-related conditions. Algorithms developed to predict the effect of missense changes on protein structure and function output the following: SIFT: "Not Available"; PolyPhen-2: "Benign"; Align-GVGD: "Not Available". The threonine amino acid residue is found in multiple mammalian species, which suggests that this missense change does not adversely affect protein function. In summary, the available evidence is currently insufficient to determine the role of this variant in disease. Therefore, it has been classified as a Variant of Uncertain Significance.

Ambry Genetics
Classification: Likely benign for Inborn genetic diseases. Last evaluated: 2023-12-06. Review status: criteria provided, single submitter. Criteria: Ambry Variant Classification Scheme 2023. Collection method: clinical testing. Allele origin: germline.